The following is an entry in ClinVar:

NM_004415.4(DSP):c.6516del (p.Phe2172fs)

Gene: DSP (desmoplakin; plus strand). Cytogenetic location: 6p24.3.
Variant type: Deletion.
Coding change: c.6516del on transcript NM_004415.4 (MANE Select); coding-DNA position 6516, one base deleted (T; older notation c.6516delT).
Protein change: p.Phe2172fs; shifts the reading frame from phenylalanine 2172.
Molecular consequence: frameshift variant.
Genome position (GRCh38, 1-based): chr6:7,583,778, T deleted; the last of 3 consecutive T bases (chr6:7,583,776-7,583,778); deleting any one gives the same sequence. VCF-style (leftmost placement, unchanged base first): chr6-7583775-CT-C. GRCh37 (hg19) VCF-style: chr6-7584008-CT-C.
Other names: c.4719del, p.Phe1573fs (NM_001008844.3); c.5187del, p.Phe1729fs (NM_001319034.2); short protein forms F1573fs, F2172fs, F1729fs.
Identifiers: ClinVar variation 1753982 (VCV001753982.7), dbSNP rs2533941799, ClinGen allele CA2580075548.

ClinVar aggregate classification (germline): Pathogenic. Review status: criteria provided, multiple submitters, no conflicts (2 of 4 stars). 2 submissions from 2 submitters: Pathogenic (2). Last evaluated 2023-10-24.

Conditions:
Cardiovascular phenotype. Identifiers: MedGen CN230736.
Arrhythmogenic cardiomyopathy with wooly hair and keratoderma. Also called: PALMOPLANTAR KERATODERMA WITH LEFT VENTRICULAR CARDIOMYOPATHY AND WOOLLY HAIR; Carvajal syndrome; Dilated cardiomyopathy with woolly hair and keratoderma; Arrhythmogenic cardiomyopathy with woolly hair and keratoderma. Identifiers: Orphanet 65282, MedGen C1854063, MONDO:0011581, OMIM 605676.
Arrhythmogenic right ventricular dysplasia 8 (ARVD8). Also called: Arrhythmogenic Right Ventricular Dysplasia/Cardiomyopathy 8; ARRHYTHMOGENIC RIGHT VENTRICULAR DYSPLASIA, FAMILIAL, 8; ARRHYTHMOGENIC RIGHT VENTRICULAR CARDIOMYOPATHY 8. Identifiers: MedGen C1843896, MONDO:0011831, OMIM 607450.

Submissions (2):

Labcorp Genetics (formerly Invitae), Labcorp
Classification: Pathogenic for Arrhythmogenic cardiomyopathy with wooly hair and keratoderma; Arrhythmogenic right ventricular dysplasia 8. Last evaluated: 2023-10-24. Review status: criteria provided, single submitter. Criteria: Invitae Variant Classification Sherloc (09022015). Collection method: clinical testing. Allele origin: germline.
Comment: This sequence change creates a premature translational stop signal (p.Phe2172Leufs*15) in the DSP gene. While this is not anticipated to result in nonsense mediated decay, it is expected to disrupt the last 700 amino acid(s) of the DSP protein. This variant is not present in population databases (gnomAD no frequency). This variant has not been reported in the literature in individuals affected with DSP-related conditions. ClinVar contains an entry for this variant (Variation ID: 1753982). This variant disrupts a region of the DSP protein in which other variant(s) (p.Glu2728Glyfs*11) have been determined to be pathogenic (Invitae). This suggests that this is a clinically significant region of the protein, and that variants that disrupt it are likely to be disease-causing. For these reasons, this variant has been classified as Pathogenic.

Ambry Genetics
Classification: Pathogenic for Cardiovascular phenotype. Last evaluated: 2022-10-21. Review status: criteria provided, single submitter. Criteria: Ambry Variant Classification Scheme 2023. Collection method: clinical testing. Allele origin: germline.
Comment: The c.6516delT pathogenic mutation, located in coding exon 24 of the DSP gene, results from a deletion of one nucleotide at nucleotide position 6516, causing a translational frameshift with a predicted alternate stop codon (p.F2172Lfs*15). This alteration occurs at the 3' terminus of theDSP gene, is not expected to trigger nonsense-mediated mRNA decay, and impacts the last 700 amino acids (24%) of the protein. However, premature stop codons are typically deleterious in nature and the impacted region is critical for protein function (Ambry internal data). Alterations in DSP that result in haploinsufficiency or protein truncation have been reported in patients with arrhythmogenic right ventricular cardiomyopathy (ARVC) and dilated cardiomyopathy (DCM) (Fressart V et al. Europace. 2010;12(6):861-8; Elliott P et al. Circ Cardiovasc Genet. 2010;3(4):314-22; Quarta G et al. Circulation. 2011;123(23):2701-9; Garcia-Pavia P et al. Heart. 2011;97(21):1744-52; Rasmussen TB et al. Clin Genet. 2013;84(1):20-30; Pugh TJ et al. Genet Med. 2014;16(8):601-8). This variant is considered to be rare based on population cohorts in the Genome Aggregation Database (gnomAD). Based on the supporting evidence, this alteration is interpreted as a disease-causing mutation.